The following is an entry in ClinVar:

ClinVar aggregate classification (germline): Uncertain significance (1 of 4 stars; one submission).

gnomAD v4.1: 1 of 1,614,028 alleles (0.000062%); highest among the groups gnomAD compares: South Asian, 0.0011%; no homozygotes.

Submission:

Labcorp Genetics (formerly Invitae), Labcorp
Classification: Uncertain significance. Last evaluated: 2024-05-23. Review status: criteria provided, single submitter. Criteria: Invitae Variant Classification Sherloc (09022015). Collection method: clinical testing. Allele origin: germline.
Comment: This sequence change replaces glycine, which is neutral and non-polar, with aspartic acid, which is acidic and polar, at codon 485 of the CYP7A1 protein (p.Gly485Asp). This variant is not present in population databases (gnomAD no frequency). This variant has not been reported in the literature in individuals affected with CYP7A1-related conditions. Advanced modeling of protein sequence and biophysical properties (such as structural, functional, and spatial information, amino acid conservation, physicochemical variation, residue mobility, and thermodynamic stability) performed at Invitae indicates that this missense variant is expected to disrupt CYP7A1 protein function with a positive predictive value of 80%. In summary, the available evidence is currently insufficient to determine the role of this variant in disease. Therefore, it has been classified as a Variant of Uncertain Significance.

NM_000780.4(CYP7A1):c.1454G>A (p.Gly485Asp)

Gene: CYP7A1 (cytochrome P450 family 7 subfamily A member 1; minus strand). Cytogenetic location: 8q12.1.
Variant type: single nucleotide variant.
Coding change: c.1454G>A on transcript NM_000780.4 (MANE Select); coding-DNA position 1454, G replaced by A.
Protein change: p.Gly485Asp; replaces glycine 485 with aspartic acid.
Molecular consequence: missense variant.
Genome position (GRCh38, 1-based): chr8:58,491,536, C>T on the plus strand (G>A on the coding strand, the complement: CYP7A1 is on the minus strand). VCF-style: chr8-58491536-C-T. GRCh37 (hg19) VCF-style: chr8-59404095-C-T.
Other names: short protein forms G485D.
Identifiers: ClinVar variation 3717036 (VCV003717036.2).